The following is an entry in ClinVar:

ClinVar aggregate classification (germline): Uncertain significance (1 of 4 stars; one submission).

Conditions:
Encephalopathy, acute, infection-induced (herpes-specific), susceptibility to, 1. Also called: Herpes simplex encephalitis, susceptibility to, 1. Identifiers: Orphanet 1930, MedGen C2750180, MONDO:0024563, OMIM 610551.

Allele frequency attached by ClinVar (database versions not stated): TOPMed 0.00003; gnomAD 0.00001; ExAC 0.00001.
gnomAD v4.1: 26 of 1,613,326 alleles (0.0016%); highest among the groups gnomAD compares: East Asian, 0.013%; no homozygotes.

Submission:

Labcorp Genetics (formerly Invitae), Labcorp
Classification: Uncertain significance for Encephalopathy, acute, infection-induced (herpes-specific), susceptibility to, 1. Last evaluated: 2023-10-06. Review status: criteria provided, single submitter. Criteria: Invitae Variant Classification Sherloc (09022015). Collection method: clinical testing. Allele origin: germline.
Comment: This sequence change creates a premature translational stop signal (p.Arg394*) in the TLR3 gene. It is expected to result in an absent or disrupted protein product. However, the current clinical and genetic evidence is not sufficient to establish whether loss-of-function variants in TLR3 cause disease. This variant is present in population databases (rs780744847, gnomAD 0.02%). This variant has not been reported in the literature in individuals affected with TLR3-related conditions. ClinVar contains an entry for this variant (Variation ID: 2046852). In summary, the available evidence is currently insufficient to determine the role of this variant in disease. Therefore, it has been classified as a Variant of Uncertain Significance.

NM_003265.3(TLR3):c.1180C>T (p.Arg394Ter)

Gene: TLR3 (toll like receptor 3; plus strand). Cytogenetic location: 4q35.1.
Variant type: single nucleotide variant.
Coding change: c.1180C>T on transcript NM_003265.3 (MANE Select); coding-DNA position 1180, C replaced by T.
Protein change: p.Arg394Ter; replaces arginine 394 with a stop codon.
Molecular consequence: nonsense.
Genome position (GRCh38, 1-based): chr4:186,082,866, C>T. VCF-style: chr4-186082866-C-T. GRCh37 (hg19) VCF-style: chr4-187004020-C-T.
Other names: short protein forms R394*.
Identifiers: ClinVar variation 2046852 (VCV002046852.4), dbSNP rs780744847, ClinGen allele CA3161372.